The following is an entry in ClinVar:

ClinVar aggregate classification (germline): Uncertain significance (1 of 4 stars; one submission).

Conditions:
Autosomal dominant childhood-onset proximal spinal muscular atrophy with contractures (SMALED2A). Also called: Spinal muscular atrophy, lower extremity-predominant, 2A, autosomal dominant; SPINAL MUSCULAR ATROPHY, LOWER EXTREMITY-PREDOMINANT, 2A, CHILDHOOD ONSET, AUTOSOMAL DOMINANT. Identifiers: Orphanet 363447, Orphanet 363454, MedGen C4747715, MONDO:0014121, OMIM 615290.

gnomAD v4.1: 1 of 1,611,702 alleles (0.000062%); highest among the groups gnomAD compares: Non-Finnish European, 0.000085%; no homozygotes.

Submission:

Labcorp Genetics (formerly Invitae), Labcorp
Classification: Uncertain significance for Autosomal dominant childhood-onset proximal spinal muscular atrophy with contractures. Last evaluated: 2022-08-06. Review status: criteria provided, single submitter. Criteria: Invitae Variant Classification Sherloc (09022015). Collection method: clinical testing. Allele origin: germline.
Comment: In summary, the available evidence is currently insufficient to determine the role of this variant in disease. Therefore, it has been classified as a Variant of Uncertain Significance. Algorithms developed to predict the effect of missense changes on protein structure and function (SIFT, PolyPhen-2, Align-GVGD) all suggest that this variant is likely to be disruptive. This missense change has been observed in at least one individual who was not affected with BICD2-related conditions (Invitae). This variant has not been reported in the literature in individuals affected with BICD2-related conditions. This variant is not present in population databases (gnomAD no frequency). This sequence change replaces valine, which is neutral and non-polar, with leucine, which is neutral and non-polar, at codon 696 of the BICD2 protein (p.Val696Leu).

NM_001003800.2(BICD2):c.2086G>C (p.Val696Leu)

Gene: BICD2 (BICD cargo adaptor 2; minus strand). Cytogenetic location: 9q22.31.
Variant type: single nucleotide variant.
Coding change: c.2086G>C on transcript NM_001003800.2 (MANE Select); coding-DNA position 2086, G replaced by C.
Protein change: p.Val696Leu; replaces valine 696 with leucine.
Molecular consequence: missense variant.
Genome position (GRCh38, 1-based): chr9:92,718,559, C>G on the plus strand (G>C on the coding strand, the complement: BICD2 is on the minus strand). VCF-style: chr9-92718559-C-G. GRCh37 (hg19) VCF-style: chr9-95480841-C-G.
Other names: c.2086G>C, p.Val696Leu (NM_015250.4); short protein forms V696L.
Identifiers: ClinVar variation 2015487 (VCV002015487.4), dbSNP rs2490442162, ClinGen allele CA374033705.